The following is an entry in ClinVar:

ClinVar aggregate classification (germline): Uncertain significance (1 of 4 stars; one submission).

Conditions:
Malignant hyperthermia, susceptibility to, 1 (MHS1). Also called: RYR1-Related Malignant Hyperthermia Susceptibility; Malignant hyperthermia suceptibility 1; Anesthesia related hyperthermia; Malignant hyperpyrexia; Fulminating hyperpyrexia; Pharmacogenic myopathy. Identifiers: Orphanet 423, MedGen C2930980, MONDO:0007783, OMIM 145600.

Submission:

Color Diagnostics, LLC DBA Color Health
Classification: Uncertain significance for Malignant hyperthermia, susceptibility to, 1. Last evaluated: 2025-06-24. Review status: criteria provided, single submitter. Criteria: ACMG Guidelines, 2015. Collection method: clinical testing. Allele origin: germline.
Comment: This variant causes a G to T nucleotide substitution at the +5 position of intron 96 of the RYR1 gene. To our knowledge, RNA studies have not been reported for this variant. This variant has not been reported in individuals affected with RYR1-related disorders in the literature. This variant has not been identified in the general population by the Genome Aggregation Database (gnomAD). The available evidence is insufficient to determine the role of this variant in disease conclusively. Therefore, this variant is classified as a Variant of Uncertain Significance.

NM_000540.3(RYR1):c.14129+5G>T

Gene: RYR1 (ryanodine receptor 1; plus strand). Cytogenetic location: 19q13.2.
Variant type: single nucleotide variant.
Coding change: c.14129+5G>T on transcript NM_000540.3 (MANE Select); 5 bases into the intron after coding-DNA position 14129, G replaced by T.
Molecular consequence: intron variant.
Genome position (GRCh38, 1-based): chr19:38,573,312, G>T. VCF-style: chr19-38573312-G-T. GRCh37 (hg19) VCF-style: chr19-39063952-G-T.
Other names: c.14114+5G>T (NM_001042723.2).
Identifiers: ClinVar variation 4756854 (VCV004756854.1).
Genomic context (GRCh38, chr19:38,573,312, plus strand): 5'-CAGCCTGAGGACGATGACGTGAAGGGGCAGTGGGACCGACTGGTGCTCAACACGCCGTAA[G>T]GACCCAGCCCCCACCTCAGGGTGGCAGCAGGAGGGGACCTGGGTTTCCACCCAGTCCAGG-3'